The following is an entry in ClinVar:

ClinVar aggregate classification (germline): Uncertain significance (1 of 4 stars; one submission).

Conditions:
Charcot-Marie-Tooth disease type 2. Also called: Charcot-Marie-Tooth type 2. Identifiers: Orphanet 64746, MedGen C0270914, MONDO:0018993.

Allele frequency attached by ClinVar (database versions not stated): gnomAD exomes below 0.00001; TOPMed below 0.00001; gnomAD 0.00001.
gnomAD v4.1: 3 of 1,614,022 alleles (0.00019%); highest among the groups gnomAD compares: African/African-American, 0.0027%; no homozygotes.

Submission:

Labcorp Genetics (formerly Invitae), Labcorp
Classification: Uncertain significance for Charcot-Marie-Tooth disease type 2. Last evaluated: 2023-11-14. Review status: criteria provided, single submitter. Criteria: Invitae Variant Classification Sherloc (09022015). Collection method: clinical testing. Allele origin: germline.
Comment: This sequence change replaces asparagine, which is neutral and polar, with serine, which is neutral and polar, at codon 854 of the AARS protein (p.Asn854Ser). This variant is present in population databases (no rsID available, gnomAD 0.01%). This variant has not been reported in the literature in individuals affected with AARS-related conditions. ClinVar contains an entry for this variant (Variation ID: 2142428). Advanced modeling of protein sequence and biophysical properties (such as structural, functional, and spatial information, amino acid conservation, physicochemical variation, residue mobility, and thermodynamic stability) performed at Invitae indicates that this missense variant is not expected to disrupt AARS protein function with a negative predictive value of 95%. In summary, the available evidence is currently insufficient to determine the role of this variant in disease. Therefore, it has been classified as a Variant of Uncertain Significance.

NM_001605.3(AARS1):c.2561A>G (p.Asn854Ser)

Gene: AARS1 (alanyl-tRNA synthetase 1; minus strand). Cytogenetic location: 16q22.1.
Variant type: single nucleotide variant.
Coding change: c.2561A>G on transcript NM_001605.3 (MANE Select); coding-DNA position 2561, A replaced by G.
Protein change: p.Asn854Ser; replaces asparagine 854 with serine.
Molecular consequence: missense variant.
Genome position (GRCh38, 1-based): chr16:70,253,760, T>C on the plus strand (A>G on the coding strand, the complement: AARS1 is on the minus strand). VCF-style: chr16-70253760-T-C. GRCh37 (hg19) VCF-style: chr16-70287663-T-C.
Other names: short protein forms N854S.
Identifiers: ClinVar variation 2142428 (VCV002142428.4), dbSNP rs1465110369, ClinGen allele CA396554959.